The following is an entry in ClinVar:

ClinVar aggregate classification (germline): Likely benign. Review status: criteria provided, multiple submitters, no conflicts (2 of 4 stars). 4 submissions from 4 submitters: Likely benign (4). Last evaluated 2025-08-06.

Allele frequency attached by ClinVar (database versions not stated): gnomAD exomes 0.00018 and 0.00042; ExAC 0.00034; ESP Exome Variant Server 0.00110; gnomAD 0.00171 and 0.00177; 1000 Genomes Project 0.00200; TOPMed 0.00212; 1000 Genomes Project 30x 0.00250.
gnomAD v4.1: 515 of 1,536,750 alleles (0.034%); highest among the groups gnomAD compares: African/African-American, 0.58%; 2 homozygotes.

Submissions (4):

Labcorp Genetics (formerly Invitae), Labcorp
Classification: Likely benign. Last evaluated: 2025-08-06. Review status: criteria provided, single submitter. Criteria: Invitae Variant Classification Sherloc (09022015). Collection method: clinical testing. Allele origin: germline.

CeGaT Center for Human Genetics Tuebingen
Classification: Likely benign. Last evaluated: 2025-05-01. Review status: criteria provided, single submitter. Criteria: CeGaT Center For Human Genetics Tuebingen Variant Classification Criteria Version 2. Collection method: clinical testing. Allele origin: germline. Affected: yes. Observed: 1 variant allele.
Comment: PIEZO2: BP4, BP7

Blueprint Genetics
Classification: Likely benign. Last evaluated: 2024-07-17. Review status: criteria provided, single submitter. Criteria: ACMG Guidelines, 2015. Collection method: clinical testing. Allele origin: germline.

Breakthrough Genomics
Classification: Likely benign. Review status: criteria provided, single submitter. Criteria: ACMG Guidelines, 2015. Collection method: not provided. Allele origin: germline. Inheritance: Autosomal recessive inheritance. Affected: yes.

NM_001378183.1(PIEZO2):c.4239C>T (p.Ala1413=)

Gene: PIEZO2 (piezo type mechanosensitive ion channel component 2; minus strand). Cytogenetic location: 18p11.22.
Variant type: single nucleotide variant.
Coding change: c.4239C>T on transcript NM_001378183.1 (MANE Select); coding-DNA position 4239, C replaced by T.
Protein change: p.Ala1413=; no amino-acid change (alanine 1413 retained).
Molecular consequence: synonymous variant.
Genome position (GRCh38, 1-based): chr18:10,750,116, G>A on the plus strand (C>T on the coding strand, the complement: PIEZO2 is on the minus strand). VCF-style: chr18-10750116-G-A. GRCh37 (hg19) VCF-style: chr18-10750114-G-A.
Other names: c.4164C>T, p.Ala1388= (NM_022068.4).
Identifiers: ClinVar variation 735080 (VCV000735080.21), dbSNP rs144035480, ClinGen allele CA8892460.
Genomic context (GRCh38, chr18:10,750,116, plus strand): 5'-GCCTTTCTGCCTTCACACTTGCTTTTCATACTTACGCATTTGATAGCCTTTGACTGTGCA[G>A]GCCAGGCTGAAAGCCTGGATCAACCAACAACTATTGTGCACCAATGTTCCAATGTATCCA-3'
Protein context (NP_001365112.1, residues 1403-1423): SCWLIQAFSL[Ala1413=]CTVKGYQMPA